The following is an entry in ClinVar:

ClinVar aggregate classification (germline): Likely benign. Review status: criteria provided, single submitter (1 of 4 stars). 2 submissions from 2 submitters: Likely benign (1). 1 of the submissions does not count toward it. Last evaluated 2026-01-18.

Conditions:
PCNT-related disorder. Also called: PCNT-related condition.

Allele frequency attached by ClinVar (database versions not stated): TOPMed 0.00002; 1000 Genomes Project 0.00020; gnomAD exomes 0.00001; ExAC 0.00002; gnomAD 0.00002; 1000 Genomes Project 30x 0.00016.
gnomAD v4.1: 12 of 1,613,568 alleles (0.00074%); highest among the groups gnomAD compares: East Asian, 0.0089%; no homozygotes.

Submissions (2):

Labcorp Genetics (formerly Invitae), Labcorp
Classification: Likely benign. Last evaluated: 2026-01-18. Review status: criteria provided, single submitter. Criteria: Invitae Variant Classification Sherloc (09022015). Collection method: clinical testing. Allele origin: germline.

PreventionGenetics, part of Exact Sciences
Classification: Likely benign for PCNT-related condition. Last evaluated: 2022-05-31. Review status: no assertion criteria provided. Collection method: clinical testing. Allele origin: germline. Not counted in ClinVar's aggregate classification.
Comment: This variant is classified as likely benign based on ACMG/AMP sequence variant interpretation guidelines (Richards et al. 2015 PMID: 25741868, with internal and published modifications).

NM_006031.6(PCNT):c.4656G>A (p.Ser1552=)

Gene: PCNT (pericentrin; plus strand). Cytogenetic location: 21q22.3.
Variant type: single nucleotide variant.
Coding change: c.4656G>A on transcript NM_006031.6 (MANE Select); coding-DNA position 4656, G replaced by A.
Protein change: p.Ser1552=; no amino-acid change (serine 1552 retained).
Molecular consequence: synonymous variant.
Genome position (GRCh38, 1-based): chr21:46,399,661, G>A. VCF-style: chr21-46399661-G-A. GRCh37 (hg19) VCF-style: chr21-47819575-G-A.
Other names: c.4656G>A (NM_006031.5); c.4302G>A, p.Ser1434= (NM_001315529.2).
Identifiers: ClinVar variation 2965469 (VCV002965469.5), dbSNP rs542903507, ClinGen allele CA10079745.
Genomic context (GRCh38, chr21:46,399,661, plus strand): 5'-ACAACAAAAGTTGAGAGAAAAGTTGGATGAATTTAATGAATTGGCTATACAGAAAGAGTC[G>A]GCAGATAGACAAGTGTTAATGCAGGAAGAAGAAATTAAACGTCTGGAGGAGATGAACATC-3'
Protein context (NP_006022.3, residues 1542-1562): EFNELAIQKE[Ser1552=]ADRQVLMQEE